The following continues an entry in ClinVar:

NM_001048174.2(MUTYH):c.841C>T (p.Arg281Cys)

Gene: MUTYH. ClinVar aggregate classification (germline): Conflicting classifications of pathogenicity. Uncertain significance (19); Likely benign (6).

Submissions 7 to 26 of 27:

CeGaT Center for Human Genetics Tuebingen
Classification: Likely benign. Last evaluated: 2025-01-01. Review status: criteria provided, single submitter. Criteria: CeGaT Center For Human Genetics Tuebingen Variant Classification Criteria Version 2. Collection method: clinical testing. Allele origin: germline. Affected: yes. Observed: 4 variant alleles.
Comment: MUTYH: BP2, BS3:Supporting

Blueprint Genetics
Classification: Uncertain significance. Last evaluated: 2024-11-13. Review status: criteria provided, single submitter. Criteria: ACMG Guidelines, 2015. Collection method: clinical testing. Allele origin: germline.

Molecular Pathology, Peter Maccallum Cancer Centre
Classification: Uncertain significance for Familial adenomatous polyposis 2. Last evaluated: 2024-11-08. Review status: criteria provided, single submitter. Criteria: ACMG Guidelines, 2015. Collection method: clinical testing. Allele origin: germline. Inheritance: Autosomal recessive inheritance.

Mayo Clinic Laboratories, Mayo Clinic
Classification: Uncertain significance. Last evaluated: 2024-10-14. Review status: criteria provided, single submitter. Criteria: ACMG Guidelines, 2015. Collection method: clinical testing. Allele origin: germline. Observed: 2 variant alleles.

All of Us Research Program, National Institutes of Health
Classification: Likely benign for Familial adenomatous polyposis 2. Last evaluated: 2024-09-26. Review status: criteria provided, single submitter. Criteria: ACMG Guidelines, 2015. Collection method: clinical testing. Allele origin: germline. Inheritance: Autosomal recessive inheritance. Observed: 204 variant alleles, 204 heterozygotes.
Comment: This study involves interpretation of variants in research participants for the purpose of population health screening. Participant phenotype was not available at the time of variant classification. Additional details can be found in publication PMID: 35346344, PMCID: PMC8962531

Color Diagnostics, LLC DBA Color Health
Classification: Likely benign for Hereditary cancer-predisposing syndrome. Last evaluated: 2024-09-19. Review status: criteria provided, single submitter. Criteria: ACMG Guidelines, 2015. Collection method: clinical testing. Allele origin: germline.

St. Jude Molecular Pathology, St. Jude Children's Research Hospital
Classification: Uncertain significance for Familial adenomatous polyposis 2. Last evaluated: 2024-08-14. Review status: criteria provided, single submitter. Criteria: St. Jude Assertion Criteria 2020. Collection method: clinical testing. Allele origin: germline.
Comment: The MUTYH c.925C>T (p.Arg309Cys) missense change has a maximum subpopulation frequency of 0.091% in gnomAD v2.1.1. The in silico tool REVEL is inconclusive about a pathogenic or benign effect of this variant on protein function. Functional studies have demonstrated a significant decrease in enzyme activity, impaired binding affinity to damaged DNA, and reduced rates of base excision repair (PMID: 26377631), as well as glycosylase activity similar to the wildtype (PMID: 20848659). A complementation assay evaluating functional deficiency in E.coli showed partially defective activity based on spontaneous mutation rates (PMID: 25820570). This variant is also known as c.883C>T (Arg295Cys) and c.841C>T (Arg281Cys) in the literature. In summary, the evidence currently available is insufficient to determine the clinical significance of this variant. It has therefore been classified as of uncertain significance.

Fulgent Genetics
Classification: Uncertain significance for Familial adenomatous polyposis 2; Gastric cancer. Last evaluated: 2024-02-02. Review status: criteria provided, single submitter. Criteria: ACMG Guidelines, 2015. Collection method: clinical testing. Allele origin: germline.

Mendelics
Classification: Likely benign for Hereditary cancer. Last evaluated: 2024-01-23. Review status: criteria provided, single submitter. Criteria: ACMG Guidelines, 2015. Collection method: clinical testing. Allele origin: unknown.

MGZ Medical Genetics Center
Classification: Uncertain significance for Familial adenomatous polyposis 2. Last evaluated: 2022-05-25. Review status: criteria provided, single submitter. Criteria: ACMG Guidelines, 2015. Collection method: clinical testing. Allele origin: germline. Affected: yes. Observed: 1 variant allele.
Comment: ACMG criteria applied: PS4_MOD, PM3, BP4

Sema4
Classification: Uncertain significance for Hereditary cancer-predisposing syndrome. Last evaluated: 2022-02-15. Review status: criteria provided, single submitter. Criteria: Sema4 Curation Guidelines. Collection method: curation. Allele origin: germline.
Comment: The MUTYH c.925C>T (p.R309C) variant has been reported as heterozygous in at least two individuals with MUTYH-associated polyposis (PMID: 19732775,19394335). Additionally, it was also reported in individuals with pancreatic cancer, colorectal cancer, breast cancer, ovarian cancer and/or multiple colorectal adenomas (PMID: 28726808, 28135145, 27829682, 27696107, 27153395, 25980754, 17949294, 16557584, 16408224, 12707038, 12606733). It has been reported in a large case-control study of breast cancer in 117/60466 cases and 98/53461 controls (PMID: 33471991). Functional studies reported conflicting evidence about the impact the variant may have on the function of the protein (PMID: 26377631, 25820570, 20848659). This variant was observed in 117/129078 chromosomes in the Non-Finnish European population, with no homozygotes, according to the Genome Aggregation Database (PMID: 27535533) and has been reported in ClinVar (Variation ID: 41765). Based on the current evidence available, this variant is interpreted as a variant of uncertain significance.

Genetic Services Laboratory, University of Chicago
Classification: Uncertain significance. Last evaluated: 2021-11-05. Review status: criteria provided, single submitter. Criteria: ACMG Guidelines, 2015. Collection method: clinical testing. Allele origin: germline. Affected: no.
Comment: DNA sequence analysis of the MUTYH gene demonstrated a sequence change, c.925C>T, in exon 10 that results in an amino acid change, p.Arg309Cys. This sequence change has been described in the gnomAD database with a frequency of 0.09% in the European population (dbSNP rs138089183). The p.Arg309Cys change affects a poorly conserved amino acid residue located in a domain of the MUTYH protein that is known to be functional. In-silico pathogenicity prediction tools (SIFT, PolyPhen2, Align GVGD, REVEL) provide contradictory results for the p.Arg309Cys substitution. The c.925C>T sequence change has been identified in individuals with colorectal polyps and/or colorectal cancer (PMIDs: 19732775; 19527492, 27829682). Out et al., 2012, identified the p.Arg309Cys change in individuals with a personal and/or family history of breast cancer and in controls, without a statistically significant difference in the rates of detection between the two populations (PMID: 22297469). In vitro analyses of the p.Arg309Cys change have shown contradictory results. Goto et al., 2010, demonstrated that the variant retains normal glycosylase activity in vitro (PMID: 20848659). However, Brinkmeyer et al., 2015, and Komine et al., 2015, performed in vitro assays that demonstrated significant decreases in enzyme activity, binding activity to damaged DNA, and defective base excision repair activity (PMIDs: 26377631, 25820570). Due to these contrasting evidences, the clinical significance of the p.Arg309Cys change remains unknown at this time.

Institute for Clinical Genetics, University Hospital TU Dresden, University Hospital TU Dresden
Classification: Uncertain significance. Last evaluated: 2021-11-03. Review status: criteria provided, single submitter. Criteria: ACMG Guidelines, 2015. Collection method: clinical testing. Allele origin: germline.

Department of Pathology and Laboratory Medicine, Sinai Health System
Classification: Uncertain significance for Familial colorectal cancer type X. Last evaluated: 2018-09-20. Review status: criteria provided, single submitter. Criteria: ACMG Guidelines, 2015. Collection method: clinical testing. Allele origin: germline. Affected: yes.

Ambry Genetics
Classification: Likely benign for Hereditary cancer-predisposing syndrome. Last evaluated: 2018-08-28. Review status: criteria provided, single submitter. Criteria: Ambry Variant Classification Scheme 2023. Collection method: clinical testing. Allele origin: germline.

GeneKor MSA
Classification: Uncertain significance for Hereditary cancer-predisposing syndrome. Last evaluated: 2018-08-01. Review status: criteria provided, single submitter. Criteria: ACMG Guidelines, 2015. Collection method: clinical testing. Allele origin: germline. Affected: yes.

Illumina Laboratory Services, Illumina
Classification: Uncertain significance for Familial adenomatous polyposis 2. Last evaluated: 2018-03-08. Review status: criteria provided, single submitter. Criteria: ICSL Variant Classification Criteria 13 December 2019. Collection method: clinical testing. Allele origin: germline.
Comment: This variant was observed as part of a predisposition screen in an ostensibly healthy population. A literature search was performed for the gene, cDNA change, and amino acid change (where applicable). Publications were found based on this search. However, the evidence from the literature, in combination with allele frequency data from public databases where available, was not sufficient to rule this variant in or out of causing disease. Therefore, this variant is classified as a variant of unknown significance.

Eurofins Ntd Llc (ga)
Classification: Uncertain significance. Last evaluated: 2018-02-27. Review status: criteria provided, single submitter. Criteria: EGL ClinVar v180209 classification definitions. Collection method: clinical testing. Allele origin: germline. Observed: 1 variant allele, 1 heterozygote.

Laboratory of Medical Genetics Unit, Bambino Gesù Children's Hospital
Classification: Uncertain significance for Pilocytic astrocytoma. Review status: criteria provided, single submitter. Criteria: ACMG Guidelines, 2015. Collection method: research. Allele origin: germline. Affected: yes.
Comment: NM_012222.3 (MUTYH): c.916C>T (p.Arg306Cys) - rs138089183. It is reported in GnomAD as very rare variant and is annotated in Clinvar with conflicting pathogenicity classification for Familial adenomatous polyposis 2 [RCV000198445.33] and MUTYH-related disorder [RCV004528164.3]. The region is poorly conserved, and functional studies conducted show strong contrasts in the functional activity of the protein. Finally, the variant was classified as VUS, following the ACMG criteria (PM2 and BP6).

Biesecker Lab/Clinical Genomics Section, National Institutes of Health
Classification: Uncertain significance. Last evaluated: 2012-07-13. Review status: no assertion criteria provided. Collection method: research. Allele origin: germline. Affected: no. Observed: 1 variant allele. Study: ClinSeq. Not counted in ClinVar's aggregate classification.
ClinVar note: Converted during submission from variant of unknown significance to Uncertain significance.